The following is an entry in ClinVar:

NM_001070.5(TUBG1):c.162+19C>T

Gene: TUBG1 (tubulin gamma 1; plus strand). Cytogenetic location: 17q21.2.
Variant type: single nucleotide variant.
Coding change: c.162+19C>T on transcript NM_001070.5 (MANE Select); 19 bases into the intron after coding-DNA position 162, C replaced by T.
Molecular consequence: intron variant.
Genome position (GRCh38, 1-based): chr17:42,610,239, C>T. VCF-style: chr17-42610239-C-T. GRCh37 (hg19) VCF-style: chr17-40762257-C-T.
Identifiers: ClinVar variation 514405 (VCV000514405.6), dbSNP rs369160185, ClinGen allele CA8579774.

ClinVar aggregate classification (germline): Likely benign. Review status: criteria provided, multiple submitters, no conflicts (2 of 4 stars). 2 submissions from 2 submitters: Likely benign (2). Last evaluated 2025-07-31.

Allele frequency attached by ClinVar (database versions not stated): TOPMed 0.00004; gnomAD 0.00005; gnomAD exomes 0.00005 and 0.00010; ExAC 0.00011; ESP Exome Variant Server 0.00015; 1000 Genomes Project 30x 0.00016; 1000 Genomes Project 0.00020.
gnomAD v4.1: 86 of 1,614,134 alleles (0.0053%); highest among the groups gnomAD compares: Admixed American, 0.065%; no homozygotes.

Submissions (2):

Labcorp Genetics (formerly Invitae), Labcorp
Classification: Likely benign. Last evaluated: 2025-07-31. Review status: criteria provided, single submitter. Criteria: Invitae Variant Classification Sherloc (09022015). Collection method: clinical testing. Allele origin: germline.

GeneDx
Classification: Likely benign. Last evaluated: 2017-12-27. Review status: criteria provided, single submitter. Criteria: GeneDx Variant Classification (06012015). Collection method: clinical testing. Allele origin: germline. Affected: yes.
Comment: This variant is considered likely benign or benign based on one or more of the following criteria: it is a conservative change, it occurs at a poorly conserved position in the protein, it is predicted to be benign by multiple in silico algorithms, and/or has population frequency not consistent with disease.